The following is an entry in ClinVar:

ClinVar aggregate classification (germline): Uncertain significance (1 of 4 stars; one submission).

Allele frequency attached by ClinVar (database versions not stated): gnomAD exomes below 0.00001; ExAC 0.00001.
gnomAD v4.1: 7 of 1,613,110 alleles (0.00043%); highest among the groups gnomAD compares: South Asian, 0.0044%; no homozygotes.

Submission:

GeneDx
Classification: Uncertain significance. Last evaluated: 2022-07-18. Review status: criteria provided, single submitter. Criteria: GeneDx Variant Classification Process June 2021. Collection method: clinical testing. Allele origin: germline. Affected: yes.
Comment: Not observed at significant frequency in large population cohorts (gnomAD); In silico analysis supports that this missense variant does not alter protein structure/function; Has not been previously published as pathogenic or benign to our knowledge

NM_017780.4(CHD7):c.472G>A (p.Ala158Thr)

Gene: CHD7 (chromodomain helicase DNA binding protein 7; plus strand). Cytogenetic location: 8q12.2.
Variant type: single nucleotide variant.
Coding change: c.472G>A on transcript NM_017780.4 (MANE Select); coding-DNA position 472, G replaced by A.
Protein change: p.Ala158Thr; replaces alanine 158 with threonine.
Molecular consequence: missense variant.
Genome position (GRCh38, 1-based): chr8:60,741,904, G>A. VCF-style: chr8-60741904-G-A. GRCh37 (hg19) VCF-style: chr8-61654463-G-A.
Other names: c.472G>A, p.Ala158Thr (NM_001316690.1); short protein forms A158T.
Identifiers: ClinVar variation 2136272 (VCV002136272.1), dbSNP rs780282927, ClinGen allele CA4759320.
Genomic context (GRCh38, chr8:60,741,904, plus strand): 5'-TTTGTGGACAGCAGCTCCATGTGGGGCCCCAGGGCTGTTCAGGTACCAGACCAGATACGA[G>A]CCCCCTACCAGCAGCAGCAGCCACAGCCGCAGCCACCGCAGCCGGCTCCGTCGGGGCCCC-3'
Protein context (NP_060250.2, residues 148-168): RAVQVPDQIR[Ala158Thr]PYQQQQPQPQ